The following is an entry in ClinVar:

ClinVar aggregate classification (germline): Pathogenic (1 of 4 stars; one submission).

Conditions:
Hereditary cancer-predisposing syndrome. Also called: Neoplastic Syndromes, Hereditary; Tumor predisposition; Hereditary Cancer Syndrome; Hereditary neoplastic syndrome. Identifiers: Orphanet 140162, MedGen C0027672, MeSH D009386, MONDO:0015356.

Submission:

Ambry Genetics
Classification: Pathogenic for Hereditary cancer-predisposing syndrome. Last evaluated: 2019-11-08. Review status: criteria provided, single submitter. Criteria: Ambry Variant Classification Scheme 2023. Collection method: clinical testing. Allele origin: germline.
Comment: The p.E605* pathogenic mutation (also known as c.1813G>T), located in coding exon 12 of the RAD50 gene, results from a G to T substitution at nucleotide position 1813. This changes the amino acid from a glutamic acid to a stop codon within coding exon 12. This alteration is expected to result in loss of function by premature protein truncation or nonsense-mediated mRNA decay. As such, this alteration is interpreted as a disease-causing mutation.

NM_005732.4(RAD50):c.1813G>T (p.Glu605Ter)

Gene: RAD50 (RAD50 double strand break repair protein; plus strand). Cytogenetic location: 5q31.1.
Variant type: single nucleotide variant.
Coding change: c.1813G>T on transcript NM_005732.4 (MANE Select); coding-DNA position 1813, G replaced by T.
Protein change: p.Glu605Ter; replaces glutamic acid 605 with a stop codon.
Molecular consequence: nonsense.
Genome position (GRCh38, 1-based): chr5:132,594,888, G>T. VCF-style: chr5-132594888-G-T. GRCh37 (hg19) VCF-style: chr5-131930580-G-T.
Other names: short protein forms E605*.
Identifiers: ClinVar variation 820128 (VCV000820128.4), dbSNP rs1580996388, ClinGen allele CA360947453.